The following is an entry in ClinVar:

NM_144670.6(A2ML1):c.1328G>A (p.Arg443Gln)

Gene: A2ML1 (alpha-2-macroglobulin like 1; plus strand). Cytogenetic location: 12p13.31.
Variant type: single nucleotide variant.
Coding change: c.1328G>A on transcript NM_144670.6 (MANE Select); coding-DNA position 1328, G replaced by A.
Protein change: p.Arg443Gln; replaces arginine 443 with glutamine.
Molecular consequence: missense variant.
Genome position (GRCh38, 1-based): chr12:8,843,213, G>A. VCF-style: chr12-8843213-G-A. GRCh37 (hg19) VCF-style: chr12-8995809-G-A.
Other names: c.1328G>A (NM_144670.3); short protein forms R443Q.
Identifiers: ClinVar variation 413812 (VCV000413812.17), dbSNP rs142219499, ClinGen allele CA6435624.
Genomic context (GRCh38, chr12:8,843,213, plus strand): 5'-ACTTAGTATATAATCCGGAACAAGTGCCACGTTACTACCAAAATGCCTACCTGCACCTGC[G>A]ACCCTTCTACAGCACAACCCGCAGCTTCCTTGGCATCCACCGGCTAAACGGCCCCTTGAA-3'
Protein context (NP_653271.3, residues 433-453): RYYQNAYLHL[Arg443Gln]PFYSTTRSFL

ClinVar aggregate classification (germline): Benign/Likely benign. Review status: criteria provided, multiple submitters, no conflicts (2 of 4 stars). 5 submissions from 5 submitters: Benign (2); Likely benign (3). Last evaluated 2026-01-27.

Conditions:
A2ML1-related disorder. Also called: A2ML1-related condition.

Allele frequency attached by ClinVar (database versions not stated): gnomAD exomes 0.00005 and 0.00021; ESP Exome Variant Server 0.00008; gnomAD 0.00022 and 0.00025; ExAC 0.00023; TOPMed 0.00026; 1000 Genomes Project 30x 0.00062; 1000 Genomes Project 0.00080.
gnomAD v4.1: 109 of 1,614,134 alleles (0.0068%); highest among the groups gnomAD compares: Admixed American, 0.093%; no homozygotes.

Submissions (5):

Labcorp Genetics (formerly Invitae), Labcorp
Classification: Likely benign. Last evaluated: 2026-01-27. Review status: criteria provided, single submitter. Criteria: Invitae Variant Classification Sherloc (09022015). Collection method: clinical testing. Allele origin: germline.

PreventionGenetics, part of Exact Sciences
Classification: Likely benign for A2ML1-related condition. Last evaluated: 2025-08-20. Review status: criteria provided, single submitter. Criteria: ACMG Guidelines, 2015. Collection method: clinical testing. Allele origin: germline.
Comment: This variant is classified as likely benign based on ACMG/AMP sequence variant interpretation guidelines (Richards et al. 2015 PMID: 25741868, with internal and published modifications).

Ambry Genetics
Classification: Likely benign. Last evaluated: 2025-08-10. Review status: criteria provided, single submitter. Criteria: Ambry Variant Classification Scheme 2023. Collection method: clinical testing. Allele origin: germline.

Women's Health and Genetics/Laboratory Corporation of America, LabCorp
Classification: Benign. Last evaluated: 2021-04-05. Review status: criteria provided, single submitter. Criteria: LabCorp Variant Classification Summary - May 2015. Collection method: clinical testing. Allele origin: germline.
Comment: Variant summary: A2ML1 c.1328G>A (p.Arg443Gln) results in a conservative amino acid change in the encoded protein sequence. Five of five in-silico tools predict a benign effect of the variant on protein function. The variant allele was found at a frequency of 0.00021 in 249580 control chromosomes, predominantly at a frequency of 0.0012 within the Latino subpopulation in the gnomAD database. The observed variant frequency within Latino control individuals in the gnomAD database is approximately 300 fold of the estimated maximal expected allele frequency for a pathogenic variant in A2ML1 causing Noonan Syndrome phenotype (4e-06), strongly suggesting that the variant is a benign polymorphism found primarily in populations of Latino origin. To our knowledge, no occurrence of c.1328G>A in individuals affected with Noonan Syndrome and no experimental evidence demonstrating its impact on protein function have been reported. One clinical diagnostic laboratory has submitted clinical-significance assessments for this variant to ClinVar after 2014 without evidence for independent evaluation, and classified the variant as likely benign. Based on the evidence outlined above, the variant was classified as benign.

GeneDx
Classification: Benign. Last evaluated: 2020-03-19. Review status: criteria provided, single submitter. Criteria: GeneDx Variant Classification Process June 2021. Collection method: clinical testing. Allele origin: germline. Affected: yes.